The following is an entry in ClinVar:

NM_021619.3(PRDM12):c.118C>T (p.Arg40Cys)

Gene: PRDM12 (PR/SET domain 12; plus strand). Cytogenetic location: 9q34.12.
Variant type: single nucleotide variant.
Coding change: c.118C>T on transcript NM_021619.3 (MANE Select); coding-DNA position 118, C replaced by T.
Protein change: p.Arg40Cys; replaces arginine 40 with cysteine.
Molecular consequence: missense variant.
Genome position (GRCh38, 1-based): chr9:130,664,771, C>T. VCF-style: chr9-130664771-C-T. GRCh37 (hg19) VCF-style: chr9-133540158-C-T.
Other names: short protein forms R40C.
Identifiers: ClinVar variation 1744521 (VCV001744521.2), dbSNP rs2490720045, ClinGen allele CA375245606.

ClinVar aggregate classification (germline): Uncertain significance (1 of 4 stars; one submission).

Conditions:
Inborn genetic diseases. Identifiers: MedGen C0950123, MeSH D030342.

Submission:

Ambry Genetics
Classification: Uncertain significance for Inborn genetic diseases. Last evaluated: 2022-03-22. Review status: criteria provided, single submitter. Criteria: Ambry Variant Classification Scheme 2023. Collection method: clinical testing. Allele origin: germline.
Comment: The p.R40C variant (also known as c.118C>T), located in coding exon 1 of the PRDM12 gene, results from a C to T substitution at nucleotide position 118. The arginine at codon 40 is replaced by cysteine, an amino acid with highly dissimilar properties. This amino acid position is conserved. In addition, this alteration is predicted to be tolerated by in silico analysis. Since supporting evidence is limited at this time, the clinical significance of this alteration remains unclear.